The following is an entry in ClinVar:

ClinVar aggregate classification (germline): Likely pathogenic. Review status: criteria provided, multiple submitters, no conflicts (2 of 4 stars). 3 submissions from 3 submitters: Likely pathogenic (3). Last evaluated 2025-11-18.

Conditions:
Familial cancer of breast. Also called: Hereditary breast cancer; hereditary breast carcinoma; BREAST CANCER, FAMILIAL. Identifiers: Orphanet 227535, MedGen C0346153, MONDO:0016419, OMIM 114480. Disease mechanism: loss of function.
Fanconi anemia complementation group J. Also called: BRIP1-Related Fanconi Anemia. Identifiers: Orphanet 84, MedGen C1836860, MONDO:0012187, OMIM 609054.
Hereditary breast ovarian cancer syndrome. Also called: Hereditary breast and ovarian cancer syndrome (HBOC); Hereditary breast and ovarian cancer syndrome; Breast and ovarian cancer; Hereditary breast and/or ovarian cancer syndrome; BRCA1- and BRCA2-Associated Hereditary Breast and Ovarian Cancer; Hereditary breast and ovarian cancer. Identifiers: Orphanet 145, MedGen C0677776, MeSH D061325, MONDO:0003582. Disease mechanism: loss of function.
Hereditary cancer-predisposing syndrome. Also called: Hereditary Cancer Syndrome; Neoplastic Syndromes, Hereditary; Hereditary neoplastic syndrome; Tumor predisposition. Identifiers: Orphanet 140162, MedGen C0027672, MeSH D009386, MONDO:0015356.

Submissions (3):

Labcorp Genetics (formerly Invitae), Labcorp
Classification: Likely pathogenic for Familial cancer of breast; Fanconi anemia complementation group J. Last evaluated: 2025-11-18. Review status: criteria provided, single submitter. Criteria: Invitae Variant Classification Sherloc (09022015). Collection method: clinical testing. Allele origin: germline.
Comment: This sequence change affects a donor splice site in intron 7 of the BRIP1 gene. It is expected to disrupt RNA splicing. Variants that disrupt the donor or acceptor splice site typically lead to a loss of protein function (PMID: 16199547), and loss-of-function variants in BRIP1 are known to be pathogenic (PMID: 16116423, 17033622, 21964575). This variant is not present in population databases (gnomAD no frequency). Disruption of this splice site has been observed in individual(s) with breast cancer (PMID: 28796317). ClinVar contains an entry for this variant (Variation ID: 823070). Algorithms developed to predict the effect of sequence changes on RNA splicing suggest that this variant may disrupt the consensus splice site. In summary, the currently available evidence indicates that the variant is pathogenic, but additional data are needed to prove that conclusively. Therefore, this variant has been classified as Likely Pathogenic.

Cancer Genomics Group, Japanese Foundation For Cancer Research
Classification: Likely pathogenic for Hereditary breast and ovarian cancer syndrome. Last evaluated: 2019-05-01. Review status: criteria provided, single submitter. Criteria: ACMG Guidelines, 2015. Collection method: research. Allele origin: germline. Affected: yes.

Ambry Genetics
Classification: Likely pathogenic for Hereditary cancer-predisposing syndrome. Last evaluated: 2019-01-04. Review status: criteria provided, single submitter. Criteria: Ambry Variant Classification Scheme 2023. Collection method: clinical testing. Allele origin: germline.
Comment: The c.918+2T>C intronic variant results from a T to C substitution two nucleotides after coding exon 6 in the BRIP1 gene. One study detected this alteration in 1/100 Japanese familial breast cancer patients who had previous tested negative for BRCA1/2 mutations (Sato K et al. Cancer Sci., 2017 Nov;108:2287-2294). In addition to the clinical data presented in the literature, alterations that disrupt the canonical splice site are expected to cause aberrant splicing, resulting in an abnormal protein or a transcript that is subject to nonsense-mediated mRNA decay. As such, this alteration is classified as a disease-causing mutation.

Literature cited by the submitters: PubMed 16199547 (cited by Labcorp Genetics (formerly Invitae), Labcorp); PubMed 16116423 (cited by Labcorp Genetics (formerly Invitae), Labcorp); PubMed 17033622 (cited by Labcorp Genetics (formerly Invitae), Labcorp); PubMed 21964575 (cited by Labcorp Genetics (formerly Invitae), Labcorp); PubMed 28796317 (cited by Labcorp Genetics (formerly Invitae), Labcorp and Ambry Genetics).

NM_032043.3(BRIP1):c.918+2T>C

Gene: BRIP1 (BRCA1 interacting DNA helicase 1; minus strand). Cytogenetic location: 17q23.2.
Variant type: single nucleotide variant.
Coding change: c.918+2T>C on transcript NM_032043.3 (MANE Select); the canonical splice donor site of the intron after coding-DNA position 918, T replaced by C.
Molecular consequence: splice donor variant.
Genome position (GRCh38, 1-based): chr17:61,808,465, A>G on the plus strand (T>C on the coding strand, the complement: BRIP1 is on the minus strand). VCF-style: chr17-61808465-A-G. GRCh37 (hg19) VCF-style: chr17-59885826-A-G.
Identifiers: ClinVar variation 823070 (VCV000823070.7), dbSNP rs1603346587, ClinGen allele CA400484626.